The following is an entry in ClinVar:

ClinVar aggregate classification (germline): not provided (0 of 4 stars; one submission).

Allele frequency attached by ClinVar (database versions not stated): gnomAD exomes 0.00153 and 0.00417; ExAC 0.00517; gnomAD 0.01622 and 0.01751; 1000 Genomes Project 0.01817; ESP Exome Variant Server 0.01866; TOPMed 0.01915; 1000 Genomes Project 30x 0.02077.
gnomAD v4.1: 4,778 of 1,612,132 alleles (0.3%); highest among the groups gnomAD compares: African/African-American, 5.7%; 147 homozygotes.

Submission:

ITMI
No classification provided. Condition: AllHighlyPenetrant. Last evaluated: 2013-09-19. Review status: no classification provided. Collection method: reference population. Allele origin: germline.
Comment: Please see associated publication for description of ethnicities

Literature cited by the submitters: PubMed 24728327.

NM_001077706.3(ECT2L):c.12C>A (p.Phe4Leu)

Gene: ECT2L (epithelial cell transforming 2 like; plus strand). Cytogenetic location: 6q24.1.
Variant type: single nucleotide variant.
Coding change: c.12C>A on transcript NM_001077706.3 (MANE Select); coding-DNA position 12, C replaced by A.
Protein change: p.Phe4Leu; replaces phenylalanine 4 with leucine.
Molecular consequence: missense variant.
Genome position (GRCh38, 1-based): chr6:138,813,286, C>A. VCF-style: chr6-138813286-C-A. GRCh37 (hg19) VCF-style: chr6-139134423-C-A.
Other names: c.12C>A, p.Phe4Leu (NM_001195037.2); short protein forms F4L.
Identifiers: ClinVar variation 134001 (VCV000134001.1), dbSNP rs79219465, ClinGen allele CA158381.